The following is an entry in ClinVar:

NM_003805.5(CRADD):c.50del (p.Gly17fs)

Gene: CRADD (CARD and death domain containing adaptor protein; plus strand). Cytogenetic location: 12q22.
Variant type: Deletion.
Coding change: c.50del on transcript NM_003805.5 (MANE Select); coding-DNA position 50, one base deleted (G; older notation c.50delG).
Protein change: p.Gly17fs; shifts the reading frame from glycine 17.
Molecular consequence: frameshift variant. On other transcripts: non-coding transcript variant (1).
Genome position (GRCh38, 1-based): chr12:93,678,824, G deleted; the last of 3 consecutive G bases (chr12:93,678,822-93,678,824); deleting any one gives the same sequence. VCF-style (leftmost placement, unchanged base first): chr12-93678821-TG-T. GRCh37 (hg19) VCF-style: chr12-94072597-TG-T.
Other names: c.50del, p.Gly17fs (NM_001320099.2, NM_001320100.2, NM_001320101.3 and 1 more transcripts); short protein forms G17fs.
Identifiers: ClinVar variation 3575538 (VCV003575538.1), dbSNP rs1207931375.

ClinVar aggregate classification (germline): Likely pathogenic. Review status: criteria provided, multiple submitters, no conflicts (2 of 4 stars). 2 submissions from 2 submitters: Likely pathogenic (2). Last evaluated 2025-10-03.

Conditions:
Intellectual developmental disorder, autosomal recessive 34, with variant lissencephaly. Also called: Intellectual disability, autosomal recessive 34. Identifiers: Orphanet 88616, MedGen C3281044, MONDO:0013785, OMIM 614499.

Submissions (2):

Variantyx, Inc.
Classification: Likely pathogenic for Intellectual developmental disorder, autosomal recessive 34, with variant lissencephaly. Last evaluated: 2025-10-03. Review status: criteria provided, single submitter. Criteria: Variantyx Assertion Criteria 2022. Collection method: clinical testing. Allele origin: germline. Inheritance: Autosomal recessive inheritance. Affected: no.
Comment: This is a frameshift variant in the CRADD gene (OMIM: 603454). Pathogenic variants in this gene have been associated with autosomal recessive intellectual developmental disorder 34 with variant lissencephaly. This variant introduces a premature termination codon in exon 2 out of 3 and is expected to result in loss of function, which is a known disease mechanism for CRADD in this disorder (PVS1) (PMID:27773430) This variant has a 0.0023% maximum allele frequency in non-founder control populations (PM2). Based on the current evidence, this variant is classified as likely pathogenic for autosomal recessive intellectual developmental disorder 34 with variant lissencephaly.

Fulgent Genetics
Classification: Likely pathogenic for Intellectual developmental disorder, autosomal recessive 34, with variant lissencephaly. Last evaluated: 2024-05-06. Review status: criteria provided, single submitter. Criteria: ACMG Guidelines, 2015. Collection method: clinical testing. Allele origin: germline.

Literature cited by the submitters: PubMed 27773430 (cited by Variantyx, Inc.).